The following is an entry in ClinVar:

ClinVar aggregate classification (germline): Uncertain significance (1 of 4 stars; one submission).

Conditions:
Dilated cardiomyopathy 1JJ (CMD1JJ). Identifiers: Orphanet 154, MedGen C3808935, MONDO:0014095, OMIM 615235.

Submission:

Labcorp Genetics (formerly Invitae), Labcorp
Classification: Uncertain significance for Dilated cardiomyopathy 1JJ. Last evaluated: 2022-06-16. Review status: criteria provided, single submitter. Criteria: Invitae Variant Classification Sherloc (09022015). Collection method: clinical testing. Allele origin: germline.
Comment: This variant is not present in population databases (gnomAD no frequency). This sequence change replaces aspartic acid, which is acidic and polar, with asparagine, which is neutral and polar, at codon 369 of the LAMA4 protein (p.Asp369Asn). This variant has not been reported in the literature in individuals affected with LAMA4-related conditions. In summary, the available evidence is currently insufficient to determine the role of this variant in disease. Therefore, it has been classified as a Variant of Uncertain Significance. Algorithms developed to predict the effect of missense changes on protein structure and function are either unavailable or do not agree on the potential impact of this missense change (SIFT: "Deleterious"; PolyPhen-2: "Benign"; Align-GVGD: "Class C0").

NM_001105206.3(LAMA4):c.1126G>A (p.Asp376Asn)

Gene: LAMA4 (laminin subunit alpha 4; minus strand). Cytogenetic location: 6q21.
Variant type: single nucleotide variant.
Coding change: c.1126G>A on transcript NM_001105206.3 (MANE Select); coding-DNA position 1126, G replaced by A.
Protein change: p.Asp376Asn; replaces aspartic acid 376 with asparagine.
Molecular consequence: missense variant.
Genome position (GRCh38, 1-based): chr6:112,178,184, C>T on the plus strand (G>A on the coding strand, the complement: LAMA4 is on the minus strand). VCF-style: chr6-112178184-C-T. GRCh37 (hg19) VCF-style: chr6-112499386-C-T.
Other names: c.1105G>A, p.Asp369Asn (NM_001105207.3, NM_002290.5); short protein forms D376N, D369N.
Identifiers: ClinVar variation 2006526 (VCV002006526.4), dbSNP rs2547121770, ClinGen allele CA365373058.